The following is an entry in ClinVar:

NM_005589.4(ALDH6A1):c.1469C>A (p.Ser490Tyr)

Genes: ALDH6A1 (aldehyde dehydrogenase 6 family member A1; minus strand), BBOF1 (basal body orientation factor 1; plus strand). Cytogenetic location: 14q24.3.
Variant type: single nucleotide variant.
Coding change: c.1469C>A on transcript NM_005589.4 (MANE Select); coding-DNA position 1469, C replaced by A.
Protein change: p.Ser490Tyr; replaces serine 490 with tyrosine.
Molecular consequence: missense variant. On other transcripts: 3 prime UTR variant (1).
Genome position (GRCh38, 1-based): chr14:74,064,856, G>T on the plus strand (C>A on the coding strand, the complement: ALDH6A1 is on the minus strand). VCF-style: chr14-74064856-G-T. GRCh37 (hg19) VCF-style: chr14-74531559-G-T.
Other names: c.1430C>A, p.Ser477Tyr (NM_001278593.2); c.1007C>A, p.Ser336Tyr (NM_001278594.2); c.*157G>T (NM_025057.3); short protein forms S477Y, S336Y, S490Y.
Identifiers: ClinVar variation 1955102 (VCV001955102.4), dbSNP rs2060433749, ClinGen allele CA390366730.

ClinVar aggregate classification (germline): Uncertain significance (1 of 4 stars; one submission).

Allele frequency attached by ClinVar (database versions not stated): gnomAD exomes below 0.00001; gnomAD 0.00001.
gnomAD v4.1: 3 of 1,614,006 alleles (0.00019%); highest among the groups gnomAD compares: Admixed American, 0.0033%; no homozygotes.

Submission:

Labcorp Genetics (formerly Invitae), Labcorp
Classification: Uncertain significance. Last evaluated: 2022-08-22. Review status: criteria provided, single submitter. Criteria: Invitae Variant Classification Sherloc (09022015). Collection method: clinical testing. Allele origin: germline.
Comment: This sequence change replaces serine, which is neutral and polar, with tyrosine, which is neutral and polar, at codon 490 of the ALDH6A1 protein (p.Ser490Tyr). This variant is not present in population databases (gnomAD no frequency). This variant has not been reported in the literature in individuals affected with ALDH6A1-related conditions. Algorithms developed to predict the effect of missense changes on protein structure and function (SIFT, PolyPhen-2, Align-GVGD) all suggest that this variant is likely to be disruptive. In summary, the available evidence is currently insufficient to determine the role of this variant in disease. Therefore, it has been classified as a Variant of Uncertain Significance.